The following is an entry in ClinVar:

ClinVar aggregate classification (germline): Benign/Likely benign. Review status: criteria provided, multiple submitters, no conflicts (2 of 4 stars). 8 submissions from 8 submitters: Benign (1); Likely benign (5). 2 of the submissions do not count toward it. Last evaluated 2026-10-01.

Conditions:
PUS1-related disorder. Also called: PUS1-related condition.
Myopathy, lactic acidosis, and sideroblastic anemia. Also called: Mitochondrial myopathy and sideroblastic anemia; Myopathy with lactic acidosis and sideroblastic anemia. Identifiers: Orphanet 2598, MedGen C1838103, MONDO:0000863.
Myopathy, lactic acidosis, and sideroblastic anemia 1 (MLASA1). Identifiers: Orphanet 2598, MedGen C4551958, MONDO:0024553, OMIM 600462.

Allele frequency attached by ClinVar (database versions not stated): gnomAD exomes 0.00027 and 0.00080; ExAC 0.00057; gnomAD 0.00061 and 0.00065; TOPMed 0.00101; 1000 Genomes Project 0.00140; 1000 Genomes Project 30x 0.00156.
gnomAD v4.1: 499 of 1,613,696 alleles (0.031%); highest among the groups gnomAD compares: Admixed American, 0.66%; 4 homozygotes.

Submissions (8):

CeGaT Center for Human Genetics Tuebingen
Classification: Likely benign. Last evaluated: 2026-10-01. Review status: criteria provided, single submitter. Criteria: CeGaT Center For Human Genetics Tuebingen Variant Classification Criteria Version 2. Collection method: clinical testing. Allele origin: germline. Affected: yes. Observed: 4 variant alleles.
Comment: PUS1: BP4, BP7

Labcorp Genetics (formerly Invitae), Labcorp
Classification: Benign. Last evaluated: 2026-02-03. Review status: criteria provided, single submitter. Criteria: Invitae Variant Classification Sherloc (09022015). Collection method: clinical testing. Allele origin: germline.

Blueprint Genetics
Classification: Likely benign. Last evaluated: 2024-11-18. Review status: criteria provided, single submitter. Criteria: ACMG Guidelines, 2015. Collection method: clinical testing. Allele origin: germline.

GeneDx
Classification: Likely benign. Last evaluated: 2020-01-21. Review status: criteria provided, single submitter. Criteria: GeneDx Variant Classification Process June 2021. Collection method: clinical testing. Allele origin: germline. Affected: yes.

Illumina Laboratory Services, Illumina
Classification: Likely benign for Myopathy, lactic acidosis, and sideroblastic anemia 1. Last evaluated: 2018-01-12. Review status: criteria provided, single submitter. Criteria: ICSL Variant Classification Criteria 13 December 2019. Collection method: clinical testing. Allele origin: germline.
Comment: This variant was observed in the ICSL laboratory as part of a predisposition screen in an ostensibly healthy population. It had not been previously curated by ICSL or reported in the Human Gene Mutation Database (HGMD: prior to June 1st, 2018), and was therefore a candidate for classification through an automated scoring system. Utilizing variant allele frequency, disease prevalence and penetrance estimates, and inheritance mode, an automated score was calculated to assess if this variant is too frequent to cause the disease. Based on the score and internal cut-off values, a variant classified as likely benign is not then subjected to further curation. The score for this variant resulted in a classification of likely benign for this disease.

Breakthrough Genomics
Classification: Likely benign. Review status: criteria provided, single submitter. Criteria: ACMG Guidelines, 2015. Collection method: not provided. Allele origin: germline. Inheritance: Autosomal recessive inheritance. Affected: yes.

Natera, Inc.
Classification: Benign for Mitochondrial myopathy and sideroblastic anemia. Last evaluated: 2019-10-22. Review status: no assertion criteria provided. Collection method: clinical testing. Allele origin: germline. Not counted in ClinVar's aggregate classification.

PreventionGenetics, part of Exact Sciences
Classification: Likely benign for PUS1-related condition. Last evaluated: 2019-08-13. Review status: no assertion criteria provided. Collection method: clinical testing. Allele origin: germline. Not counted in ClinVar's aggregate classification.
Comment: This variant is classified as likely benign based on ACMG/AMP sequence variant interpretation guidelines (Richards et al. 2015 PMID: 25741868, with internal and published modifications).

NM_025215.6(PUS1):c.1020C>T (p.Phe340=)

Gene: PUS1 (pseudouridine synthase 1; plus strand). Cytogenetic location: 12q24.33.
Variant type: single nucleotide variant.
Coding change: c.1020C>T on transcript NM_025215.6 (MANE Select); coding-DNA position 1020, C replaced by T.
Protein change: p.Phe340=; no amino-acid change (phenylalanine 340 retained).
Molecular consequence: synonymous variant.
Genome position (GRCh38, 1-based): chr12:131,941,767, C>T. VCF-style: chr12-131941767-C-T. GRCh37 (hg19) VCF-style: chr12-132426312-C-T.
Other names: c.936C>T, p.Phe312= (NM_001002019.3, NM_001002020.3).
Identifiers: ClinVar variation 307706 (VCV000307706.25), dbSNP rs202059921, ClinGen allele CA6884295.
Genomic context (GRCh38, chr12:131,941,767, plus strand): 5'-AGAGAAGGTGGACGTGCCCAAGGCGCCCGGACTCGGCCTGGTCCTGGAGAGGGTGCACTT[C>T]GAGAAGTACAACCAGCGCTTTGGCAACGATGGGCTGCATGAGCCGCTGGACTGGGCGCAG-3'
Protein context (NP_079491.2, residues 330-350): GLGLVLERVH[Phe340=]EKYNQRFGND